The following is an entry in ClinVar:

NM_001018115.3(FANCD2):c.3533C>G (p.Ser1178Cys)

Genes: FANCD2 (FA complementation group D2; plus strand), FANCD2OS (FANCD2 opposite strand; minus strand). Cytogenetic location: 3p25.3.
Variant type: single nucleotide variant.
Coding change: c.3533C>G on transcript NM_001018115.3 (MANE Select); coding-DNA position 3533, C replaced by G.
Protein change: p.Ser1178Cys; replaces serine 1178 with cysteine.
Molecular consequence: missense variant. On other transcripts: intron variant (1).
Genome position (GRCh38, 1-based): chr3:10,088,515, C>G. VCF-style: chr3-10088515-C-G. GRCh37 (hg19) VCF-style: chr3-10130199-C-G.
Other names: c.3533C>G, p.Ser1178Cys (NM_001319984.2, NM_001374254.1, NM_033084.6); c.3422C>G, p.Ser1141Cys (NM_001374253.1); c.*44-6984G>C (NM_173472.2); short protein forms S1141C, S1178C.
Identifiers: ClinVar variation 1692049 (VCV001692049.1), dbSNP rs1472283913, ClinGen allele CA351753124.
Genomic context (GRCh38, chr3:10,088,515, plus strand): 5'-TTGCCAGACAATTCCTCTGTCGGGTGTGGCCAAGTGGGGATAAAGAGAAGAGCAACATCT[C>G]TAATGACCAGCTCCATGCTCTGCTCTGGTGAGATGTTTGGTTTCTTCCAATGAGCCAAAT-3'
Protein context (NP_001018125.1, residues 1168-1188): PSGDKEKSNI[Ser1178Cys]NDQLHALLCI

ClinVar aggregate classification (germline): Uncertain significance (1 of 4 stars; one submission).

Conditions:
Fanconi anemia (FA). Also called: Fanconi's anemia. Identifiers: Orphanet 84, MedGen C0015625, MeSH D005199, MONDO:0019391.

Allele frequency attached by ClinVar (database versions not stated): gnomAD exomes below 0.00001.
gnomAD v4.1: 1 of 1,609,606 alleles (0.000062%); highest among the groups gnomAD compares: South Asian, 0.0011%; no homozygotes.

Submission:

Sema4
Classification: Uncertain significance for Fanconi anemia. Last evaluated: 2022-01-06. Review status: criteria provided, single submitter. Criteria: Sema4 Curation Guidelines. Collection method: curation. Allele origin: germline.
Comment: The FANCD2 c.3533C>G (p.S1178C) variant has not been reported in the literature to our knowledge. It was observed in 1/30616 chromosomes of the South Asian subpopulation in the large and broad cohorts of the Genome Aggregation Database (PMID: 32461654). The variant has not been reported in ClinVar. In silico tools suggest the impact of the variant on protein function is benign, though these predictions have not been confirmed by functional studies. The evidence is insufficient to meet ACMG/AMP criteria for classifying the variant as benign or pathogenic. Thus, the clinical significance of this variant is currently uncertain.